The following is an entry in ClinVar:

ClinVar aggregate classification (germline): Pathogenic (1 of 4 stars; one submission).

Submission:

Labcorp Genetics (formerly Invitae), Labcorp
Classification: Pathogenic. Last evaluated: 2025-04-28. Review status: criteria provided, single submitter. Criteria: Invitae Variant Classification Sherloc (09022015). Collection method: clinical testing. Allele origin: germline.
Comment: This sequence change creates a premature translational stop signal (p.Phe151Profs*43) in the GATA3 gene. It is expected to result in an absent or disrupted protein product. Loss-of-function variants in GATA3 are known to be pathogenic (PMID: 14985365, 21242646). This variant is not present in population databases (gnomAD no frequency). This variant has not been reported in the literature in individuals affected with GATA3-related conditions. ClinVar contains an entry for this variant (Variation ID: 1456792). For these reasons, this variant has been classified as Pathogenic.

Literature cited by the submitters: PubMed 14985365; PubMed 21242646.

NM_001002295.2(GATA3):c.451_454del (p.Phe151fs)

Gene: GATA3 (GATA binding protein 3; plus strand). Cytogenetic location: 10p14.
Variant type: Deletion.
Coding change: c.451_454del on transcript NM_001002295.2 (MANE Select); coding-DNA positions 451 to 454, 4 bases deleted (TTCA; older notation c.451_454delTTCA).
Protein change: p.Phe151fs; shifts the reading frame from phenylalanine 151.
Molecular consequence: frameshift variant.
Genome position (GRCh38, 1-based): chr10:8,058,514-8,058,517, TTCA deleted. VCF-style (leftmost placement, unchanged base first): chr10-8058513-CTTCA-C. GRCh37 (hg19) VCF-style: chr10-8100476-CTTCA-C.
Other names: c.451_454del, p.Phe151fs (NM_002051.3); short protein forms F151fs.
Identifiers: ClinVar variation 1456792 (VCV001456792.6), dbSNP rs2131489331, ClinGen allele CA2573145636.